The following is an entry in ClinVar:

NM_005188.4(CBL):c.484C>A (p.Leu162Met)

Gene: CBL (Cbl proto-oncogene; plus strand). Cytogenetic location: 11q23.3.
Variant type: single nucleotide variant.
Coding change: c.484C>A on transcript NM_005188.4 (MANE Select); coding-DNA position 484, C replaced by A.
Protein change: p.Leu162Met; replaces leucine 162 with methionine.
Molecular consequence: missense variant.
Genome position (GRCh38, 1-based): chr11:119,271,775, C>A. VCF-style: chr11-119271775-C-A. GRCh37 (hg19) VCF-style: chr11-119142485-C-A.
Other names: short protein forms L162M.
Identifiers: ClinVar variation 3634378 (VCV003634378.2).

ClinVar aggregate classification (germline): Uncertain significance (1 of 4 stars; one submission).

Conditions:
RASopathy. Also called: rasopathies; Noonan spectrum disorder. Identifiers: Orphanet 536391, MedGen C5555857, MONDO:0021060.

gnomAD v4.1: 1 of 1,613,644 alleles (0.000062%); highest among the groups gnomAD compares: Non-Finnish European, 0.000085%; no homozygotes.

Submission:

Labcorp Genetics (formerly Invitae), Labcorp
Classification: Uncertain significance for RASopathy. Last evaluated: 2024-11-15. Review status: criteria provided, single submitter. Criteria: Invitae Variant Classification Sherloc (09022015). Collection method: clinical testing. Allele origin: germline.
Comment: This sequence change replaces leucine, which is neutral and non-polar, with methionine, which is neutral and non-polar, at codon 162 of the CBL protein (p.Leu162Met). This variant is not present in population databases (gnomAD no frequency). This variant has not been reported in the literature in individuals affected with CBL-related conditions. Invitae Evidence Modeling of protein sequence and biophysical properties (such as structural, functional, and spatial information, amino acid conservation, physicochemical variation, residue mobility, and thermodynamic stability) indicates that this missense variant is expected to disrupt CBL protein function with a positive predictive value of 95%. In summary, the available evidence is currently insufficient to determine the role of this variant in disease. Therefore, it has been classified as a Variant of Uncertain Significance.